The following is an entry in ClinVar:

ClinVar aggregate classification (germline): Uncertain significance (1 of 4 stars; one submission).

Submission:

Ambry Genetics
Classification: Uncertain significance. Last evaluated: 2026-01-06. Review status: criteria provided, single submitter. Criteria: Ambry Variant Classification Scheme 2023. Collection method: clinical testing. Allele origin: germline.
Comment: The p.V41I variant (also known as c.121G>A), located in coding exon 1 of the KCNE5 gene, results from a G to A substitution at nucleotide position 121. The valine at codon 41 is replaced by isoleucine, an amino acid with highly similar properties. This amino acid position is conserved. In addition, this alteration is predicted to be tolerated by in silico analysis. Based on the available evidence, the clinical significance of this variant remains unclear.

NM_012282.4(KCNE5):c.121G>A (p.Val41Ile)

Gene: KCNE5 (potassium voltage-gated channel subfamily E regulatory subunit 5; minus strand). Cytogenetic location: Xq23.
Variant type: single nucleotide variant.
Coding change: c.121G>A on transcript NM_012282.4 (MANE Select); coding-DNA position 121, G replaced by A.
Protein change: p.Val41Ile; replaces valine 41 with isoleucine.
Molecular consequence: missense variant.
Genome position (GRCh38, 1-based): chrX:109,624,900, C>T on the plus strand (G>A on the coding strand, the complement: KCNE5 is on the minus strand). VCF-style: chrX-109624900-C-T. GRCh37 (hg19) VCF-style: chrX-108868129-C-T.
Other names: short protein forms V41I.
Identifiers: ClinVar variation 4842401 (VCV004842401.1).